The following is an entry in ClinVar:

ClinVar aggregate classification (germline): Uncertain significance (1 of 4 stars; one submission).

Conditions:
Inborn genetic diseases. Identifiers: MedGen C0950123, MeSH D030342.

gnomAD v4.1: 1 of 1,612,456 alleles (0.000062%); highest among the groups gnomAD compares: Non-Finnish European, 0.000085%; no homozygotes.

Submission:

Ambry Genetics
Classification: Uncertain significance for Inborn genetic diseases. Last evaluated: 2025-03-31. Review status: criteria provided, single submitter. Criteria: Ambry Variant Classification Scheme 2023. Collection method: clinical testing. Allele origin: germline.
Comment: The p.L323R variant (also known as c.968T>G), located in coding exon 11 of the RTEL1 gene, results from a T to G substitution at nucleotide position 968. The leucine at codon 323 is replaced by arginine, an amino acid with dissimilar properties. This amino acid position is conserved. In addition, this alteration is predicted to be deleterious by in silico analysis. Based on the available evidence, the clinical significance of this variant remains unclear.

NM_001283009.2(RTEL1):c.968T>G (p.Leu323Arg)

Genes: RTEL1 (regulator of telomere elongation helicase 1; plus strand), RTEL1-TNFRSF6B (RTEL1-TNFRSF6B readthrough (NMD candidate); plus strand). Cytogenetic location: 20q13.33.
Variant type: single nucleotide variant.
Coding change: c.968T>G on transcript NM_001283009.2 (MANE Select); coding-DNA position 968, T replaced by G.
Protein change: p.Leu323Arg; replaces leucine 323 with arginine.
Molecular consequence: missense variant. On other transcripts: non-coding transcript variant (1).
Genome position (GRCh38, 1-based): chr20:63,678,277, T>G. VCF-style: chr20-63678277-T-G. GRCh37 (hg19) VCF-style: chr20-62309630-T-G.
Other names: c.299T>G, p.Leu100Arg (NM_001283010.1); c.968T>G, p.Leu323Arg (NM_016434.4); c.1040T>G, p.Leu347Arg (NM_032957.5); short protein forms L323R, L347R, L100R.
Identifiers: ClinVar variation 3948282 (VCV003948282.1).